The following is an entry in ClinVar:

NM_001171.6(ABCC6):c.3617T>C (p.Val1206Ala)

Gene: ABCC6 (ATP binding cassette subfamily C member 6; minus strand). Cytogenetic location: 16p13.11.
Variant type: single nucleotide variant.
Coding change: c.3617T>C on transcript NM_001171.6 (MANE Select); coding-DNA position 3617, T replaced by C.
Protein change: p.Val1206Ala; replaces valine 1206 with alanine.
Molecular consequence: missense variant. On other transcripts: non-coding transcript variant (1).
Genome position (GRCh38, 1-based): chr16:16,161,454, A>G on the plus strand (T>C on the coding strand, the complement: ABCC6 is on the minus strand). VCF-style: chr16-16161454-A-G. GRCh37 (hg19) VCF-style: chr16-16255311-A-G.
Other names: c.3275T>C, p.Val1092Ala (NM_001351800.1); short protein forms V1092A, V1206A.
Identifiers: ClinVar variation 1383759 (VCV001383759.6), dbSNP rs1331420687, ClinGen allele CA394879604.

ClinVar aggregate classification (germline): Uncertain significance (1 of 4 stars; one submission).

Submission:

Labcorp Genetics (formerly Invitae), Labcorp
Classification: Uncertain significance. Last evaluated: 2023-12-11. Review status: criteria provided, single submitter. Criteria: Invitae Variant Classification Sherloc (09022015). Collection method: clinical testing. Allele origin: germline.
Comment: This sequence change replaces valine, which is neutral and non-polar, with alanine, which is neutral and non-polar, at codon 1206 of the ABCC6 protein (p.Val1206Ala). This variant is not present in population databases (gnomAD no frequency). This variant has not been reported in the literature in individuals affected with ABCC6-related conditions. ClinVar contains an entry for this variant (Variation ID: 1383759). Advanced modeling of protein sequence and biophysical properties (such as structural, functional, and spatial information, amino acid conservation, physicochemical variation, residue mobility, and thermodynamic stability) has been performed at Invitae for this missense variant, however the output from this modeling did not meet the statistical confidence thresholds required to predict the impact of this variant on ABCC6 protein function. In summary, the available evidence is currently insufficient to determine the role of this variant in disease. Therefore, it has been classified as a Variant of Uncertain Significance.